The following is an entry in ClinVar:

NM_000883.4(IMPDH1):c.1338C>T (p.Ile446=)

Gene: IMPDH1 (inosine monophosphate dehydrogenase 1; minus strand). Cytogenetic location: 7q32.1.
Variant type: single nucleotide variant.
Coding change: c.1338C>T on transcript NM_000883.4 (MANE Select); coding-DNA position 1338, C replaced by T.
Protein change: p.Ile446=; no amino-acid change (isoleucine 446 retained).
Molecular consequence: synonymous variant.
Genome position (GRCh38, 1-based): chr7:128,395,198, G>A on the plus strand (C>T on the coding strand, the complement: IMPDH1 is on the minus strand). VCF-style: chr7-128395198-G-A. GRCh37 (hg19) VCF-style: chr7-128035252-G-A.
Other names: c.1308C>T, p.Ile436= (NM_001102605.2); c.1083C>T, p.Ile361= (NM_001142573.2); c.1068C>T, p.Ile356= (NM_001142574.2); c.1008C>T, p.Ile336= (NM_001142575.2); c.1239C>T, p.Ile413= (NM_001142576.2); c.1131C>T, p.Ile377= (NM_001304521.2); c.1230C>T, p.Ile410= (NM_183243.3).
Identifiers: ClinVar variation 358875 (VCV000358875.14), dbSNP rs199623010, ClinGen allele CA4470863.

ClinVar aggregate classification (germline): Conflicting classifications of pathogenicity. Review status: criteria provided, conflicting classifications (1 of 4 stars). 3 submissions from 2 submitters: Uncertain significance (1); Benign (1); Likely benign (1). Last evaluated 2026-01-26.

Conditions:
Leber congenital amaurosis 11 (LCA11). Identifiers: Orphanet 65, MedGen C1840284, MONDO:0013454, OMIM 613837.
Retinitis pigmentosa (RP). Identifiers: Orphanet 791, MedGen C0035334, MeSH D012174, MONDO:0019200, OMIM 268000. Inheritance: Autosomal dominant, autosomal recessive and X linked inheritance.

Allele frequency attached by ClinVar (database versions not stated): gnomAD exomes 0.00117 and 0.00265; 1000 Genomes Project 30x 0.00125; 1000 Genomes Project 0.00140; ExAC 0.00219; ESP Exome Variant Server 0.00008; TOPMed 0.00015; gnomAD 0.00232 and 0.00246.
gnomAD v4.1: 2,047 of 1,614,020 alleles (0.13%); highest among the groups gnomAD compares: Non-Finnish European, 0.024%; 28 homozygotes.

Submissions (3):

Labcorp Genetics (formerly Invitae), Labcorp
Classification: Benign. Last evaluated: 2026-01-26. Review status: criteria provided, single submitter. Criteria: Invitae Variant Classification Sherloc (09022015). Collection method: clinical testing. Allele origin: germline.

Illumina Laboratory Services, Illumina
Classification: Likely benign for Retinitis pigmentosa. Last evaluated: 2018-01-13. Review status: criteria provided, single submitter. Criteria: ICSL Variant Classification Criteria 13 December 2019. Collection method: clinical testing. Allele origin: germline.
Comment: This variant was observed in the ICSL laboratory as part of a predisposition screen in an ostensibly healthy population. It had not been previously curated by ICSL or reported in the Human Gene Mutation Database (HGMD: prior to June 1st, 2018), and was therefore a candidate for classification through an automated scoring system. Utilizing variant allele frequency, disease prevalence and penetrance estimates, and inheritance mode, an automated score was calculated to assess if this variant is too frequent to cause the disease. Based on the score and internal cut-off values, a variant classified as likely benign is not then subjected to further curation. The score for this variant resulted in a classification of likely benign for this disease.

Illumina Laboratory Services, Illumina
Classification: Uncertain significance for Leber congenital amaurosis 11. Last evaluated: 2018-01-13. Review status: criteria provided, single submitter. Criteria: ICSL Variant Classification Criteria 13 December 2019. Collection method: clinical testing. Allele origin: germline.